The following is an entry in ClinVar:

ClinVar aggregate classification (germline): Uncertain significance (1 of 4 stars; one submission).

Conditions:
Hereditary spastic paraplegia 63. Also called: Spastic paraplegia 63, autosomal recessive. Identifiers: Orphanet 401805, MedGen C3810295, MONDO:0014305, OMIM 615686.
Pontocerebellar hypoplasia type 9. Identifiers: Orphanet 369920, MedGen C4014354, MONDO:0014351, OMIM 615809.

Allele frequency attached by ClinVar (database versions not stated): gnomAD 0.00001; gnomAD exomes 0.00001; TOPMed 0.00001; ExAC 0.00002; ESP Exome Variant Server 0.00008.
gnomAD v4.1: 11 of 1,614,058 alleles (0.00068%); highest among the groups gnomAD compares: Admixed American, 0.0017%; no homozygotes.

Submission:

Labcorp Genetics (formerly Invitae), Labcorp
Classification: Uncertain significance for Pontocerebellar hypoplasia type 9; Hereditary spastic paraplegia 63. Last evaluated: 2023-10-03. Review status: criteria provided, single submitter. Criteria: Invitae Variant Classification Sherloc (09022015). Collection method: clinical testing. Allele origin: germline.
Comment: This sequence change replaces threonine, which is neutral and polar, with serine, which is neutral and polar, at codon 605 of the AMPD2 protein (p.Thr605Ser). This variant is present in population databases (rs370528133, gnomAD 0.002%). This variant has not been reported in the literature in individuals affected with AMPD2-related conditions. ClinVar contains an entry for this variant (Variation ID: 1440839). An algorithm developed to predict the effect of missense changes on protein structure and function (PolyPhen-2) suggests that this variant is likely to be disruptive. In summary, the available evidence is currently insufficient to determine the role of this variant in disease. Therefore, it has been classified as a Variant of Uncertain Significance.

NM_001368809.2(AMPD2):c.1652C>G (p.Thr551Ser)

Genes: AMPD2 (adenosine monophosphate deaminase 2; plus strand), LOC126805822 (BRD4-independent group 4 enhancer GRCh37_chr1:110170748-110171947; plus strand). Cytogenetic location: 1p13.3.
Variant type: single nucleotide variant.
Coding change: c.1652C>G on transcript NM_001368809.2 (MANE Select); coding-DNA position 1652, C replaced by G.
Protein change: p.Thr551Ser; replaces threonine 551 with serine.
Molecular consequence: missense variant.
Genome position (GRCh38, 1-based): chr1:109,629,189, C>G. VCF-style: chr1-109629189-C-G. GRCh37 (hg19) VCF-style: chr1-110171811-C-G.
Other names: c.1460C>G, p.Thr487Ser (NM_001257361.2); c.1589C>G, p.Thr530Ser (NM_001308170.1); c.1652C>G, p.Thr551Ser (NM_004037.9); c.1571C>G, p.Thr524Ser (NM_139156.4); short protein forms T487S, T530S, T524S, T551S.
Identifiers: ClinVar variation 1440839 (VCV001440839.7), dbSNP rs370528133, ClinGen allele CA993153.
Genomic context (GRCh38, chr1:109,629,189, plus strand): 5'-GCCAGCTGGCCAACTTCCAGGAGATGCTGGAGAACATCTTCCTGCCACTGTTCGAGGCCA[C>G]TGTGCACCCTGCCAGCCACCCGGAACTGCATCTCTTCTTAGAGCACGTGAGCAGGCAGCG-3'
Protein context (NP_001355738.1, residues 541-561): ENIFLPLFEA[Thr551Ser]VHPASHPELH